The following is an entry in ClinVar:

NM_000059.4(BRCA2):c.6530T>A (p.Ile2177Asn)

Gene: BRCA2 (BRCA2 DNA repair associated; plus strand). Cytogenetic location: 13q13.1.
Variant type: single nucleotide variant.
Coding change: c.6530T>A on transcript NM_000059.4 (MANE Select); coding-DNA position 6530, T replaced by A.
Protein change: p.Ile2177Asn; replaces isoleucine 2177 with asparagine.
Molecular consequence: missense variant.
Genome position (GRCh38, 1-based): chr13:32,340,885, T>A. VCF-style: chr13-32340885-T-A. GRCh37 (hg19) VCF-style: chr13-32915022-T-A.
Other names: NP_000050.3:p.Ile2177Asn; short protein forms I2177N.
Identifiers: ClinVar variation 1325634 (VCV001325634.3), dbSNP rs1060502462, ClinGen allele CA387789661.

ClinVar aggregate classification (germline): Conflicting classifications of pathogenicity. Review status: criteria provided, conflicting classifications (1 of 4 stars). 2 submissions from 2 submitters: Uncertain significance (1); Likely benign (1). Last evaluated 2023-03-23.

Conditions:
Hereditary cancer-predisposing syndrome. Also called: Hereditary Cancer Syndrome; Tumor predisposition; Neoplastic Syndromes, Hereditary; Hereditary neoplastic syndrome. Identifiers: Orphanet 140162, MedGen C0027672, MeSH D009386, MONDO:0015356.
Hereditary breast ovarian cancer syndrome. Also called: Hereditary breast and ovarian cancer syndrome; Hereditary breast and ovarian cancer; Hereditary breast and ovarian cancer syndrome (HBOC); BRCA1- and BRCA2-Associated Hereditary Breast and Ovarian Cancer; Hereditary breast and/or ovarian cancer syndrome; Breast and ovarian cancer. Identifiers: Orphanet 145, MedGen C0677776, MeSH D061325, MONDO:0003582. Disease mechanism: loss of function.

gnomAD v4.1: 3 of 1,606,004 alleles (0.00019%); highest among the groups gnomAD compares: South Asian, 0.0023%; no homozygotes.

Submissions (2):

University of Washington Department of Laboratory Medicine, University of Washington
Classification: Likely benign for Hereditary cancer-predisposing syndrome. Last evaluated: 2023-03-23. Review status: criteria provided, single submitter. Criteria: Dines et al. (Genet Med. 2020). Collection method: curation. Allele origin: germline.
Comment: Missense variant in a coldspot region where missense variants are very unlikely to be pathogenic (PMID:31911673).

BRCA2 exon 11 coldspot. Reclassification based on statistical prior probability.

National Health Laboratory Service, Universitas Academic Hospital and University of the Free State
Classification: Uncertain significance for Hereditary breast ovarian cancer syndrome. Last evaluated: 2021-11-16. Review status: criteria provided, single submitter. Criteria: ACMG Guidelines, 2015. Collection method: clinical testing. Allele origin: germline. Affected: yes. Observed: 1 variant allele.

Literature cited by the submitters: DOI 10.3389/fgene.2022.834265 (cited by National Health Laboratory Service, Universitas Academic Hospital and University of the Free State).